The following is an entry in ClinVar:

NM_030962.4(SBF2):c.4173G>T (p.Gln1391His)

Genes: SBF2-AS1 (SBF2 antisense RNA 1; plus strand), SBF2 (SET binding factor 2; minus strand). Cytogenetic location: 11p15.4.
Variant type: single nucleotide variant.
Coding change: c.4173G>T on transcript NM_030962.4 (MANE Select); coding-DNA position 4173, G replaced by T.
Protein change: p.Gln1391His; replaces glutamine 1391 with histidine.
Molecular consequence: missense variant. On other transcripts: non-coding transcript variant (1).
Genome position (GRCh38, 1-based): chr11:9,808,985, C>A on the plus strand (G>T on the coding strand, the complement: SBF2 is on the minus strand). VCF-style: chr11-9808985-C-A. GRCh37 (hg19) VCF-style: chr11-9830532-C-A.
Other names: c.4269G>T, p.Gln1423His (NM_001386339.1); c.4044G>T, p.Gln1348His (NM_001386342.1); short protein forms Q1348H, Q1391H, Q1423H.
Identifiers: ClinVar variation 2016789 (VCV002016789.4), dbSNP rs2494604423, ClinGen allele CA379642399.
Genomic context (GRCh38, chr11:9,808,985, plus strand): 5'-CTCCAAACAGACCAAAACTGAGGAACCATTCTCAAGTACTTCTGATACAACCACAGCCAG[C>A]TGCATTATCCTGTGAAGCTAAGAGACAGGAAGGAGAACACAATTAGACCAAGCGCTTTCT-3'
Protein context (NP_112224.1, residues 1381-1401): EWFPQLHRIM[Gln1391His]LAVVVSEVLE

ClinVar aggregate classification (germline): Uncertain significance (1 of 4 stars; one submission).

Conditions:
Charcot-Marie-Tooth disease type 4. Also called: Charcot-Marie-Tooth, Type 4; Charcot-Marie-Tooth disease, type IV. Identifiers: Orphanet 64749, MedGen C4082197, MONDO:0018995.

Submission:

Labcorp Genetics (formerly Invitae), Labcorp
Classification: Uncertain significance for Charcot-Marie-Tooth disease type 4. Last evaluated: 2022-07-27. Review status: criteria provided, single submitter. Criteria: Invitae Variant Classification Sherloc (09022015). Collection method: clinical testing. Allele origin: germline.
Comment: In summary, the available evidence is currently insufficient to determine the role of this variant in disease. Therefore, it has been classified as a Variant of Uncertain Significance. Algorithms developed to predict the effect of missense changes on protein structure and function are either unavailable or do not agree on the potential impact of this missense change (SIFT: "Deleterious"; PolyPhen-2: "Benign"; Align-GVGD: "Class C0"). This variant has not been reported in the literature in individuals affected with SBF2-related conditions. This variant is not present in population databases (gnomAD no frequency). This sequence change replaces glutamine, which is neutral and polar, with histidine, which is basic and polar, at codon 1391 of the SBF2 protein (p.Gln1391His).